The following is an entry in ClinVar:

ClinVar aggregate classification (germline): Uncertain significance (1 of 4 stars; one submission).

Allele frequency attached by ClinVar (database versions not stated): ExAC 0.00001; gnomAD exomes 0.00001; TOPMed 0.00004; gnomAD 0.00005.
gnomAD v4.1: 36 of 1,599,542 alleles (0.0023%); highest among the groups gnomAD compares: African/African-American, 0.004%; no homozygotes.

Submission:

Labcorp Genetics (formerly Invitae), Labcorp
Classification: Uncertain significance. Last evaluated: 2024-02-17. Review status: criteria provided, single submitter. Criteria: Invitae Variant Classification Sherloc (09022015). Collection method: clinical testing. Allele origin: germline.
Comment: This sequence change replaces glutamic acid, which is acidic and polar, with aspartic acid, which is acidic and polar, at codon 92 of the CCDC88A protein (p.Glu92Asp). This variant is present in population databases (rs539601373, gnomAD 0.004%). This variant has not been reported in the literature in individuals affected with CCDC88A-related conditions. ClinVar contains an entry for this variant (Variation ID: 1353854). Algorithms developed to predict the effect of missense changes on protein structure and function output the following: SIFT: "Not Available"; PolyPhen-2: "Benign"; Align-GVGD: "Not Available". The aspartic acid amino acid residue is found in multiple mammalian species, which suggests that this missense change does not adversely affect protein function. In summary, the available evidence is currently insufficient to determine the role of this variant in disease. Therefore, it has been classified as a Variant of Uncertain Significance.

NM_001365480.1(CCDC88A):c.276G>T (p.Glu92Asp)

Gene: CCDC88A (coiled-coil domain containing 88A; minus strand). Cytogenetic location: 2p16.1.
Variant type: single nucleotide variant.
Coding change: c.276G>T on transcript NM_001365480.1 (MANE Select); coding-DNA position 276, G replaced by T.
Protein change: p.Glu92Asp; replaces glutamic acid 92 with aspartic acid.
Molecular consequence: missense variant.
Genome position (GRCh38, 1-based): chr2:55,374,881, C>A on the plus strand (G>T on the coding strand, the complement: CCDC88A is on the minus strand). VCF-style: chr2-55374881-C-A. GRCh37 (hg19) VCF-style: chr2-55602017-C-A.
Other names: c.276G>T, p.Glu92Asp (NM_001135597.2, NM_001254943.2, NM_018084.5); short protein forms E92D.
Identifiers: ClinVar variation 1353854 (VCV001353854.4), dbSNP rs539601373, ClinGen allele CA1666444.